The following is an entry in ClinVar:

NM_003638.3(ITGA8):c.1580T>C (p.Val527Ala)

Gene: ITGA8 (integrin subunit alpha 8; minus strand). Cytogenetic location: 10p13.
Variant type: single nucleotide variant.
Coding change: c.1580T>C on transcript NM_003638.3 (MANE Select); coding-DNA position 1580, T replaced by C.
Protein change: p.Val527Ala; replaces valine 527 with alanine.
Molecular consequence: missense variant.
Genome position (GRCh38, 1-based): chr10:15,608,264, A>G on the plus strand (T>C on the coding strand, the complement: ITGA8 is on the minus strand). VCF-style: chr10-15608264-A-G. GRCh37 (hg19) VCF-style: chr10-15650263-A-G.
Other names: c.1535T>C, p.Val512Ala (NM_001291494.2); c.1580T>C (NM_003638.1); short protein forms V512A, V527A.
Identifiers: ClinVar variation 1500642 (VCV001500642.7), dbSNP rs772330266, ClinGen allele CA5420160.

ClinVar aggregate classification (germline): Uncertain significance. Review status: criteria provided, multiple submitters, no conflicts (2 of 4 stars). 2 submissions from 2 submitters: Uncertain significance (2). Last evaluated 2024-10-25.

Conditions:
Inborn genetic diseases. Identifiers: MedGen C0950123, MeSH D030342.

Allele frequency attached by ClinVar (database versions not stated): gnomAD exomes below 0.00001; TOPMed below 0.00001; ExAC 0.00001.
gnomAD v4.1: 3 of 1,596,970 alleles (0.00019%); highest among the groups gnomAD compares: Non-Finnish European, 0.00026%; no homozygotes.

Submissions (2):

Ambry Genetics
Classification: Uncertain significance for Inborn genetic diseases. Last evaluated: 2024-10-25. Review status: criteria provided, single submitter. Criteria: Ambry Variant Classification Scheme 2023. Collection method: clinical testing. Allele origin: germline.

Labcorp Genetics (formerly Invitae), Labcorp
Classification: Uncertain significance. Last evaluated: 2022-11-08. Review status: criteria provided, single submitter. Criteria: Invitae Variant Classification Sherloc (09022015). Collection method: clinical testing. Allele origin: germline.
Comment: ClinVar contains an entry for this variant (Variation ID: 1500642). This sequence change replaces valine, which is neutral and non-polar, with alanine, which is neutral and non-polar, at codon 527 of the ITGA8 protein (p.Val527Ala). The frequency data for this variant in the population databases is considered unreliable, as metrics indicate poor data quality at this position in the gnomAD database. This variant has not been reported in the literature in individuals affected with ITGA8-related conditions. Algorithms developed to predict the effect of missense changes on protein structure and function output the following: SIFT: "Deleterious"; PolyPhen-2: "Benign"; Align-GVGD: "Class C0". The alanine amino acid residue is found in multiple mammalian species, which suggests that this missense change does not adversely affect protein function. In summary, the available evidence is currently insufficient to determine the role of this variant in disease. Therefore, it has been classified as a Variant of Uncertain Significance.